The following is an entry in ClinVar:

ClinVar aggregate classification (germline): Benign/Likely benign. Review status: criteria provided, multiple submitters, no conflicts (2 of 4 stars). 2 submissions from 2 submitters: Benign (1); Likely benign (1). Last evaluated 2024-01-03.

Conditions:
Occult macular dystrophy (OCMD). Also called: OMD; OCCULT MACULAR DYSTROPHY, SUSCEPTIBILITY TO. Identifiers: Orphanet 247834, MedGen C3150833, MONDO:0013316, OMIM 613587, HP:0030636.

Allele frequency attached by ClinVar (database versions not stated): gnomAD 0.00013 and 0.00015; gnomAD exomes 0.00018; ESP Exome Variant Server 0.00025; 1000 Genomes Project 0.00040.
gnomAD v4.1: 279 of 1,609,054 alleles (0.017%); highest among the groups gnomAD compares: East Asian, 0.052%; no homozygotes.

Submissions (2):

Blueprint Genetics
Classification: Likely benign. Last evaluated: 2024-01-03. Review status: criteria provided, single submitter. Criteria: ACMG Guidelines, 2015. Collection method: clinical testing. Allele origin: germline.

Illumina Laboratory Services, Illumina
Classification: Benign for Occult macular dystrophy. Last evaluated: 2018-01-13. Review status: criteria provided, single submitter. Criteria: ICSL Variant Classification Criteria 13 December 2019. Collection method: clinical testing. Allele origin: germline.
Comment: This variant was observed in the ICSL laboratory as part of a predisposition screen in an ostensibly healthy population. It had not been previously curated by ICSL or reported in the Human Gene Mutation Database (HGMD: prior to June 1st, 2018), and was therefore a candidate for classification through an automated scoring system. Utilizing variant allele frequency, disease prevalence and penetrance estimates, and inheritance mode, an automated score was calculated to assess if this variant is too frequent to cause the disease. Based on the score and internal cut-off values, a variant classified as benign is not then subjected to further curation. The score for this variant resulted in a classification of benign for this disease.

NM_178857.6(RP1L1):c.6644C>T (p.Pro2215Leu)

Gene: RP1L1 (RP1 like 1). Cytogenetic location: 8p23.1.
Variant type: single nucleotide variant.
Coding change: c.6644C>T on transcript NM_178857.6 (MANE Select); coding-DNA position 6644, C replaced by T.
Protein change: p.Pro2215Leu; replaces proline 2215 with leucine.
Molecular consequence: missense variant.
Genome position (GRCh38, 1-based): chr8:10,607,454, G>A on the plus strand (C>T on the coding strand, the complement: RP1L1 is on the minus strand). VCF-style: chr8-10607454-G-A. GRCh37 (hg19) VCF-style: chr8-10464964-G-A.
Other names: short protein forms P2215L.
Identifiers: ClinVar variation 361215 (VCV000361215.6), dbSNP rs187850525, ClinGen allele CA4623225.